The following is an entry in ClinVar:

ClinVar aggregate classification (germline): Likely benign (0 of 4 stars; one submission).

Conditions:
TWIST2-related disorder. Also called: TWIST2-related condition.

Allele frequency attached by ClinVar (database versions not stated): gnomAD exomes 0.00004; TOPMed 0.00009; gnomAD 0.00010; 1000 Genomes Project 30x 0.00016; ExAC 0.00035.
gnomAD v4.1: 64 of 1,503,210 alleles (0.0043%); highest among the groups gnomAD compares: East Asian, 0.1%; no homozygotes.

Submission:

PreventionGenetics, part of Exact Sciences
Classification: Likely benign for TWIST2-related condition. Last evaluated: 2019-08-19. Review status: no assertion criteria provided. Collection method: clinical testing. Allele origin: germline.
Comment: This variant is classified as likely benign based on ACMG/AMP sequence variant interpretation guidelines (Richards et al. 2015 PMID: 25741868, with internal and published modifications).

NM_001271893.4(TWIST2):c.*7G>A

Gene: TWIST2 (twist family bHLH transcription factor 2; plus strand). Cytogenetic location: 2q37.3.
Variant type: single nucleotide variant.
Coding change: c.*7G>A on transcript NM_001271893.4 (MANE Select); 7 bases downstream of the stop codon, G replaced by A.
Molecular consequence: 3 prime UTR variant.
Genome position (GRCh38, 1-based): chr2:238,848,705, G>A. VCF-style: chr2-238848705-G-A. GRCh37 (hg19) VCF-style: chr2-239757346-G-A.
Other names: c.*7G>A (NM_057179.3).
Identifiers: ClinVar variation 3052935 (VCV003052935.2), dbSNP rs779250622, ClinGen allele CA2198939.
Genomic context (GRCh38, chr2:238,848,705, plus strand): 5'-GCCTTCTCCGTGTGGCGCATGGAGGGCGCGTGGTCCATGTCCGCCTCCCACTAGCGCCGC[G>A]CCACCCACCTCCGGACCGGCGCGCCAGGGTAGGTGCTGCGCGCGCGACGGGCGCCCTCCG-3'